The following is an entry in ClinVar:

NM_005006.7(NDUFS1):c.1783A>G (p.Thr595Ala)

Gene: NDUFS1 (NADH:ubiquinone oxidoreductase core subunit S1; minus strand). Cytogenetic location: 2q33.3.
Variant type: single nucleotide variant.
Coding change: c.1783A>G on transcript NM_005006.7 (MANE Select); coding-DNA position 1783, A replaced by G.
Protein change: p.Thr595Ala; replaces threonine 595 with alanine.
Molecular consequence: missense variant.
Genome position (GRCh38, 1-based): chr2:206,127,898, T>C on the plus strand (A>G on the coding strand, the complement: NDUFS1 is on the minus strand). VCF-style: chr2-206127898-T-C. GRCh37 (hg19) VCF-style: chr2-206992622-T-C.
Other names: c.1675A>G, p.Thr559Ala (NM_001199981.2); c.1450A>G, p.Thr484Ala (NM_001199982.2); c.1612A>G, p.Thr538Ala (NM_001199983.2); c.1825A>G, p.Thr609Ala (NM_001199984.2); short protein forms T595A, T538A, T559A, T484A, T609A.
Identifiers: ClinVar variation 31914 (VCV000031914.9), dbSNP rs387907199, ClinGen allele CA129896.
Genomic context (GRCh38, chr2:206,127,898, plus strand): 5'-AGCCAGGAGGTGTCACTGCTACCTTAGTCTGCTGAGCTCTACCCTCAGTGTTGACATATG[T>C]AGCAGACTTCTCTGTGTAAGCAGCTCCTGGGAGAATAACATCAGCTATGGGAGCCCCAAC-3'
Protein context (NP_004997.4, residues 585-605): PGAAYTEKSA[Thr595Ala]YVNTEGRAQQ

ClinVar aggregate classification (germline): Likely pathogenic. Review status: criteria provided, multiple submitters, no conflicts (2 of 4 stars). 3 submissions from 3 submitters: Likely pathogenic (2). 1 of the submissions does not count toward it. Last evaluated 2023-10-31.

Conditions:
Mitochondrial complex I deficiency, nuclear type 5. Also called: Mitochondrial complex 1 deficiency, nuclear type 5. Identifiers: MedGen C4748754, MONDO:0032610, OMIM 618226.

Allele frequency attached by ClinVar (database versions not stated): gnomAD exomes below 0.00001; ExAC 0.00001.
gnomAD v4.1: 1 of 1,614,170 alleles (0.000062%); highest among the groups gnomAD compares: Admixed American, 0.0017%; no homozygotes.

Submissions (3):

Labcorp Genetics (formerly Invitae), Labcorp
Classification: Likely pathogenic. Last evaluated: 2023-10-31. Review status: criteria provided, single submitter. Criteria: Invitae Variant Classification Sherloc (09022015). Collection method: clinical testing. Allele origin: germline.
Comment: This sequence change replaces threonine, which is neutral and polar, with alanine, which is neutral and non-polar, at codon 595 of the NDUFS1 protein (p.Thr595Ala). This variant is present in population databases (rs387907199, gnomAD 0.003%). This missense change has been observed in individuals with mitochondrial complex I deficiency (PMID: 21203893, 22310368). It has also been observed to segregate with disease in related individuals. ClinVar contains an entry for this variant (Variation ID: 31914). Advanced modeling of protein sequence and biophysical properties (such as structural, functional, and spatial information, amino acid conservation, physicochemical variation, residue mobility, and thermodynamic stability) has been performed at Invitae for this missense variant, however the output from this modeling did not meet the statistical confidence thresholds required to predict the impact of this variant on NDUFS1 protein function. Studies have shown that this missense change alters NDUFS1 gene expression (PMID: 21203893). In summary, the currently available evidence indicates that the variant is pathogenic, but additional data are needed to prove that conclusively. Therefore, this variant has been classified as Likely Pathogenic.

GeneDx
Classification: Likely pathogenic. Last evaluated: 2023-06-06. Review status: criteria provided, single submitter. Criteria: GeneDx Variant Classification Process June 2021. Collection method: clinical testing. Allele origin: germline. Affected: yes.
Comment: Not observed at a significant frequency in large population cohorts (gnomAD); In silico analysis supports that this missense variant has a deleterious effect on protein structure/function; This variant is associated with the following publications: (PMID: 22272371, 22142868, 30055843, 21203893, 22310368, 36042640)

OMIM
Classification: Pathogenic for MITOCHONDRIAL COMPLEX I DEFICIENCY, NUCLEAR TYPE 5. Last evaluated: 2011-02-01. Review status: no assertion criteria provided. Collection method: literature only. Allele origin: germline. Not counted in ClinVar's aggregate classification.

Literature cited by the submitters: PubMed 21203893 (cited by Labcorp Genetics (formerly Invitae), Labcorp and OMIM); PubMed 22310368 (cited by Labcorp Genetics (formerly Invitae), Labcorp).